The following is an entry in ClinVar:

NM_153046.3(TDRD9):c.3957C>T (p.Ala1319=)

Gene: TDRD9 (tudor domain containing 9; plus strand). Cytogenetic location: 14q32.33.
Variant type: single nucleotide variant.
Coding change: c.3957C>T on transcript NM_153046.3 (MANE Select); coding-DNA position 3957, C replaced by T.
Protein change: p.Ala1319=; no amino-acid change (alanine 1319 retained).
Molecular consequence: synonymous variant.
Genome position (GRCh38, 1-based): chr14:104,042,170, C>T. VCF-style: chr14-104042170-C-T. GRCh37 (hg19) VCF-style: chr14-104508507-C-T.
Identifiers: ClinVar variation 3056462 (VCV003056462.2), dbSNP rs764598109, ClinGen allele CA7369176.

ClinVar aggregate classification (germline): Likely benign (0 of 4 stars; one submission).

Conditions:
TDRD9-related disorder. Also called: TDRD9-related condition.

Allele frequency attached by ClinVar (database versions not stated): gnomAD exomes 0.00002; TOPMed 0.00003; gnomAD 0.00004; ExAC 0.00012.
gnomAD v4.1: 32 of 1,611,760 alleles (0.002%); highest among the groups gnomAD compares: East Asian, 0.067%; no homozygotes.

Submission:

PreventionGenetics, part of Exact Sciences
Classification: Likely benign for TDRD9-related condition. Last evaluated: 2019-08-08. Review status: no assertion criteria provided. Collection method: clinical testing. Allele origin: germline.
Comment: This variant is classified as likely benign based on ACMG/AMP sequence variant interpretation guidelines (Richards et al. 2015 PMID: 25741868, with internal and published modifications).